The following is an entry in ClinVar:

NM_145690.3(YWHAZ):c.391G>A (p.Glu131Lys)

Gene: YWHAZ (tyrosine 3-monooxygenase/tryptophan 5-monooxygenase activation protein zeta; minus strand). Cytogenetic location: 8q22.3.
Variant type: single nucleotide variant.
Coding change: c.391G>A on transcript NM_145690.3 (MANE Select); coding-DNA position 391, G replaced by A.
Protein change: p.Glu131Lys; replaces glutamic acid 131 with lysine.
Molecular consequence: missense variant.
Genome position (GRCh38, 1-based): chr8:100,924,943, C>T on the plus strand (G>A on the coding strand, the complement: YWHAZ is on the minus strand). VCF-style: chr8-100924943-C-T. GRCh37 (hg19) VCF-style: chr8-101937171-C-T.
Other names: c.391G>A, p.Glu131Lys (NM_001135699.2, NM_001135700.2, NM_001135701.2 and 2 more transcripts); short protein forms E131K.
Identifiers: ClinVar variation 2501982 (VCV002501982.1), dbSNP rs2536943265, ClinGen allele CA371641142.

ClinVar aggregate classification (germline): Uncertain significance (1 of 4 stars; one submission).

Submission:

GeneDx
Classification: Uncertain significance. Last evaluated: 2022-01-26. Review status: criteria provided, single submitter. Criteria: GeneDx Variant Classification Process June 2021. Collection method: clinical testing. Allele origin: germline. Affected: yes.
Comment: Not observed at significant frequency in large population cohorts (gnomAD); In silico analysis supports that this missense variant has a deleterious effect on protein structure/function; Has not been previously published as pathogenic or benign to our knowledge; Variants in candidate genes are classified as variants of uncertain significance in accordance with ACMG guidelines (Richards et al., 2015)